The following is an entry in ClinVar:

NM_006593.4(TBR1):c.461A>G (p.Asn154Ser)

Gene: TBR1 (T-box brain transcription factor 1; plus strand). Cytogenetic location: 2q24.2.
Variant type: single nucleotide variant.
Coding change: c.461A>G on transcript NM_006593.4 (MANE Select); coding-DNA position 461, A replaced by G.
Protein change: p.Asn154Ser; replaces asparagine 154 with serine.
Molecular consequence: missense variant.
Genome position (GRCh38, 1-based): chr2:161,416,871, A>G. VCF-style: chr2-161416871-A-G. GRCh37 (hg19) VCF-style: chr2-162273382-A-G.
Other names: short protein forms N154S.
Identifiers: ClinVar variation 1741936 (VCV001741936.2), dbSNP rs1395540593, ClinGen allele CA349211447.

ClinVar aggregate classification (germline): Uncertain significance (1 of 4 stars; one submission).

Conditions:
Inborn genetic diseases. Identifiers: MedGen C0950123, MeSH D030342.

Allele frequency attached by ClinVar (database versions not stated): gnomAD exomes below 0.00001; gnomAD 0.00001; TOPMed 0.00002.
gnomAD v4.1: 6 of 1,613,892 alleles (0.00037%); highest among the groups gnomAD compares: East Asian, 0.0022%; no homozygotes.

Submission:

Ambry Genetics
Classification: Uncertain significance for Inborn genetic diseases. Last evaluated: 2019-09-15. Review status: criteria provided, single submitter. Criteria: Ambry Variant Classification Scheme 2023. Collection method: clinical testing. Allele origin: germline.
Comment: The p.N154S variant (also known as c.461A>G), located in coding exon 1 of the TBR1 gene, results from an A to G substitution at nucleotide position 461. The asparagine at codon 154 is replaced by serine, an amino acid with highly similar properties. This amino acid position is highly conserved in available vertebrate species. In addition, this alteration is predicted to be tolerated by in silico analysis. Since supporting evidence is limited at this time, the clinical significance of this alteration remains unclear.